The following is an entry in ClinVar:

ClinVar aggregate classification (germline): Uncertain significance. Review status: criteria provided, multiple submitters, no conflicts (2 of 4 stars). 2 submissions from 2 submitters: Uncertain significance (2). Last evaluated 2026-07-07.

Conditions:
DICER1-related tumor predisposition. Also called: DICER1 syndrome; DICER1-related pleuropulmonary blastoma cancer predisposition syndrome. Identifiers: Orphanet 284343, MedGen C3839822, MONDO:0100216.
Hereditary cancer-predisposing syndrome. Also called: Neoplastic Syndromes, Hereditary; Hereditary Cancer Syndrome; Hereditary neoplastic syndrome; Tumor predisposition. Identifiers: Orphanet 140162, MedGen C0027672, MeSH D009386, MONDO:0015356.

Allele frequency attached by ClinVar (database versions not stated): gnomAD exomes below 0.00001.
gnomAD v4.1: 1 of 1,613,326 alleles (0.000062%); no homozygotes.

Submissions (2):

Ambry Genetics
Classification: Uncertain significance for Hereditary cancer-predisposing syndrome. Last evaluated: 2026-07-07. Review status: criteria provided, single submitter. Criteria: Ambry Variant Classification Scheme 2023. Collection method: clinical testing. Allele origin: germline.
Comment: The p.T134R variant (also known as c.401C>G), located in coding exon 3 of the DICER1 gene, results from a C to G substitution at nucleotide position 401. The threonine at codon 134 is replaced by arginine, an amino acid with similar properties. This amino acid position is conserved. In addition, this alteration is predicted to be tolerated by in silico analysis. Based on the available evidence, the clinical significance of this variant remains unclear.

Labcorp Genetics (formerly Invitae), Labcorp
Classification: Uncertain significance for DICER1-related tumor predisposition. Last evaluated: 2023-08-23. Review status: criteria provided, single submitter. Criteria: Invitae Variant Classification Sherloc (09022015). Collection method: clinical testing. Allele origin: germline.
Comment: ClinVar contains an entry for this variant (Variation ID: 652122). This variant has not been reported in the literature in individuals affected with DICER1-related conditions. This variant is not present in population databases (gnomAD no frequency). This sequence change replaces threonine, which is neutral and polar, with arginine, which is basic and polar, at codon 134 of the DICER1 protein (p.Thr134Arg). In summary, the available evidence is currently insufficient to determine the role of this variant in disease. Therefore, it has been classified as a Variant of Uncertain Significance. Advanced modeling of protein sequence and biophysical properties (such as structural, functional, and spatial information, amino acid conservation, physicochemical variation, residue mobility, and thermodynamic stability) performed at Invitae indicates that this missense variant is not expected to disrupt DICER1 protein function.

NM_177438.3(DICER1):c.401C>G (p.Thr134Arg)

Gene: DICER1 (dicer 1, ribonuclease III; minus strand). Cytogenetic location: 14q32.13.
Variant type: single nucleotide variant.
Coding change: c.401C>G on transcript NM_177438.3 (MANE Select); coding-DNA position 401, C replaced by G.
Protein change: p.Thr134Arg; replaces threonine 134 with arginine.
Molecular consequence: missense variant.
Genome position (GRCh38, 1-based): chr14:95,131,546, G>C on the plus strand (C>G on the coding strand, the complement: DICER1 is on the minus strand). VCF-style: chr14-95131546-G-C. GRCh37 (hg19) VCF-style: chr14-95597883-G-C.
Other names: c.401C>G, p.Thr134Arg (NM_001195573.1, NM_001271282.3, NM_001291628.2 and 1 more transcripts); short protein forms T134R.
Identifiers: ClinVar variation 652122 (VCV000652122.13), dbSNP rs1595462886, ClinGen allele CA390888944.